The following is an entry in ClinVar:

ClinVar aggregate classification (germline): Likely benign. Review status: criteria provided, multiple submitters, no conflicts (2 of 4 stars). 3 submissions from 3 submitters: Likely benign (3). Last evaluated 2025-04-30.

Conditions:
COL11A1-related disorder. Also called: COL11A1-related condition; COL11A1-related disorders.

Allele frequency attached by ClinVar (database versions not stated): ExAC 0.00002; gnomAD exomes 0.00002; gnomAD 0.00009; TOPMed 0.00011.
gnomAD v4.1: 25 of 1,613,298 alleles (0.0015%); highest among the groups gnomAD compares: African/African-American, 0.028%; no homozygotes.

Submissions (3):

Labcorp Genetics (formerly Invitae), Labcorp
Classification: Likely benign. Last evaluated: 2025-04-30. Review status: criteria provided, single submitter. Criteria: Invitae Variant Classification Sherloc (09022015). Collection method: clinical testing. Allele origin: germline.

PreventionGenetics, part of Exact Sciences
Classification: Likely benign for COL11A1-related condition. Last evaluated: 2025-04-29. Review status: criteria provided, single submitter. Criteria: ACMG Guidelines, 2015. Collection method: clinical testing. Allele origin: germline.
Comment: This variant is classified as likely benign based on ACMG/AMP sequence variant interpretation guidelines (Richards et al. 2015 PMID: 25741868, with internal and published modifications).

Blueprint Genetics
Classification: Likely benign. Last evaluated: 2024-03-14. Review status: criteria provided, single submitter. Criteria: ACMG Guidelines, 2015. Collection method: clinical testing. Allele origin: germline.

NM_001854.4(COL11A1):c.1630-4A>G

Gene: COL11A1 (collagen type XI alpha 1 chain; minus strand). Cytogenetic location: 1p21.1.
Variant type: single nucleotide variant.
Coding change: c.1630-4A>G on transcript NM_001854.4 (MANE Select); 4 bases into the intron before coding-DNA position 1630, A replaced by G.
Molecular consequence: intron variant.
Genome position (GRCh38, 1-based): chr1:103,008,520, T>C on the plus strand (A>G on the coding strand, the complement: COL11A1 is on the minus strand). VCF-style: chr1-103008520-T-C. GRCh37 (hg19) VCF-style: chr1-103474076-T-C.
Other names: c.1630-4A>G (NM_001854.3); c.1513-4A>G (NM_001190709.2); c.1666-4A>G (NM_080629.3); c.1282-4A>G (NM_080630.4).
Identifiers: ClinVar variation 1579671 (VCV001579671.10), dbSNP rs745811285, ClinGen allele CA974898.